The following is an entry in ClinVar:

NC_000023.11:g.71366329C>A

Gene: TAF1 (TATA-box binding protein associated factor 1; plus strand). Cytogenetic location: Xq13.1.
Variant type: single nucleotide variant.
Genome position: GRCh38 VCF-style: chrX-71366329-C-A. GRCh37 (hg19) VCF-style: chrX-70586179-C-A.
Identifiers: ClinVar variation 2017812 (VCV002017812.4), dbSNP rs2519960720, ClinGen allele CA413502228.
Genomic context (GRCh38, chrX:71,366,329, plus strand): 5'-AGCTCAGTAAGTCACTTCTGGGCGACTGTTGTTTTATTTCCGGTCTATGGGACCCGGCTG[C>A]GATTTGCTGCTGCGGACAGCAGCTACCATCACTGCTGCCGCCATCATGTCAGACACGGAC-3'

ClinVar aggregate classification (germline): Uncertain significance (1 of 4 stars; one submission).

Submission:

Labcorp Genetics (formerly Invitae), Labcorp
Classification: Uncertain significance. Last evaluated: 2022-07-21. Review status: criteria provided, single submitter. Criteria: Invitae Variant Classification Sherloc (09022015). Collection method: clinical testing. Allele origin: germline.
Comment: In summary, the available evidence is currently insufficient to determine the role of this variant in disease. Therefore, it has been classified as a Variant of Uncertain Significance. This variant has not been reported in the literature in individuals affected with TAF1-related conditions. This variant is not present in population databases (gnomAD no frequency). This sequence change creates a premature translational stop signal (p.Cys5*) in the TAF1 gene. It is expected to result in an absent or disrupted protein product. However, the current clinical and genetic evidence is not sufficient to establish whether loss-of-function variants in TAF1 cause disease.